The following is an entry in ClinVar:

NM_006642.5(SDCCAG8):c.2093T>G (p.Val698Gly)

Genes: AKT3 (AKT serine/threonine kinase 3; minus strand), SDCCAG8 (SHH signaling and ciliogenesis regulator SDCCAG8; plus strand). Cytogenetic location: 1q43.
Variant type: single nucleotide variant.
Coding change: c.2093T>G on transcript NM_006642.5 (MANE Select); coding-DNA position 2093, T replaced by G.
Protein change: p.Val698Gly; replaces valine 698 with glycine.
Molecular consequence: missense variant. On other transcripts: intron variant (1).
Genome position (GRCh38, 1-based): chr1:243,489,121, T>G. VCF-style: chr1-243489121-T-G. GRCh37 (hg19) VCF-style: chr1-243652423-T-G.
Other names: c.1190T>G, p.Val397Gly (NM_001350247.2, NM_001350251.2, NM_001350246.2); c.2189T>G, p.Val730Gly (NM_001350248.2); c.1799T>G, p.Val600Gly (NM_001350249.2); c.*7-671A>C (NM_181690.2); short protein forms V698G, V600G, V397G, V730G.
Identifiers: ClinVar variation 4979790 (VCV004979790.1).
Genomic context (GRCh38, chr1:243,489,121, plus strand): 5'-TGCAGCTCCTCAGCAAGCAGAACCAGCTTCTCCTGGAGAGGCAGAGCCTGTCGGAAGAGG[T>G]GGACCGGCTGCGGACCCAGGTACTGTGCAGAACGCGGCGCAGGTGGGAGTCCTTGGGCGG-3'
Protein context (NP_006633.1, residues 688-708): LLERQSLSEE[Val698Gly]DRLRTQLPSM

ClinVar aggregate classification (germline): Uncertain significance (1 of 4 stars; one submission).

Conditions:
SDCCAG8-related disorder. Also called: SDCCAG8-Related Disorders; SDCCAG8-related condition.

Submission:

PreventionGenetics, part of Exact Sciences
Classification: Uncertain significance for SDCCAG8-related condition. Last evaluated: 2026-06-17. Review status: criteria provided, single submitter. Criteria: ACMG Guidelines, 2015. Collection method: clinical testing. Allele origin: germline.
Comment: The SDCCAG8 c.2093T>G variant is predicted to result in the amino acid substitution p.Val698Gly. To our knowledge, this variant has not been reported in the literature or in a large population database (gnomAD), indicating this variant is rare. At this time, the clinical significance of this variant is uncertain due to the absence of conclusive functional and genetic evidence.